The following is an entry in ClinVar:

NM_014362.4(HIBCH):c.763C>G (p.Arg255Gly)

Gene: HIBCH (3-hydroxyisobutyryl-CoA hydrolase; minus strand). Cytogenetic location: 2q32.2.
Variant type: single nucleotide variant.
Coding change: c.763C>G on transcript NM_014362.4 (MANE Select); coding-DNA position 763, C replaced by G.
Protein change: p.Arg255Gly; replaces arginine 255 with glycine.
Molecular consequence: missense variant.
Genome position (GRCh38, 1-based): chr2:190,246,200, G>C on the plus strand (C>G on the coding strand, the complement: HIBCH is on the minus strand). VCF-style: chr2-190246200-G-C. GRCh37 (hg19) VCF-style: chr2-191110926-G-C.
Other names: c.763C>G, p.Arg255Gly (NM_198047.3); short protein forms R255G.
Identifiers: ClinVar variation 1033287 (VCV001033287.1), dbSNP rs1248460683, ClinGen allele CA349887319.

ClinVar aggregate classification (germline): Uncertain significance (1 of 4 stars; one submission).

Conditions:
3-hydroxyisobutyryl-CoA hydrolase deficiency. Also called: Reduced circulating 3-hydroxyisobutyryl-CoA hydrolase activity; Deficiency of 3-hydroxyisobutyryl CoA hydrolase; HIBCH DEFICIENCY; METHACRYLIC ACID TOXICITY; METHACRYLIC ACIDURIA; VALINE METABOLIC DEFECT. Identifiers: Orphanet 88639, MedGen C0342738, MONDO:0009603, OMIM 250620, HP:6000215.

Submission:

Baylor Genetics
Classification: Uncertain significance for 3-hydroxyisobutyryl-CoA hydrolase deficiency. Last evaluated: 2018-12-05. Review status: criteria provided, single submitter. Criteria: ACMG Guidelines, 2015. Collection method: clinical testing. Allele origin: unknown. Affected: yes.
Comment: This variant was determined to be of uncertain significance according to ACMG Guidelines, 2015 [PMID:25741868].